The following is an entry in ClinVar:

ClinVar aggregate classification (germline): Likely benign (0 of 4 stars; one submission).

Conditions:
DRAM2-related disorder. Also called: DRAM2-related condition.

Allele frequency attached by ClinVar (database versions not stated): gnomAD exomes below 0.00001; ExAC 0.00001; gnomAD 0.00001; TOPMed 0.00001; ESP Exome Variant Server 0.00008.
gnomAD v4.1: 3 of 1,597,666 alleles (0.00019%); highest among the groups gnomAD compares: Non-Finnish European, 0.00026%; no homozygotes.

Submission:

PreventionGenetics, part of Exact Sciences
Classification: Likely benign for DRAM2-related condition. Last evaluated: 2020-07-29. Review status: no assertion criteria provided. Collection method: clinical testing. Allele origin: germline.
Comment: This variant is classified as likely benign based on ACMG/AMP sequence variant interpretation guidelines (Richards et al. 2015 PMID: 25741868, with internal and published modifications).

NM_001349884.2(DRAM2):c.694-4C>A

Gene: DRAM2 (DNA damage regulated autophagy modulator 2; minus strand). Cytogenetic location: 1p13.3.
Variant type: single nucleotide variant.
Coding change: c.694-4C>A on transcript NM_001349884.2 (MANE Select); 4 bases into the intron before coding-DNA position 694, C replaced by A.
Molecular consequence: intron variant.
Genome position (GRCh38, 1-based): chr1:111,118,271, G>T on the plus strand (C>A on the coding strand, the complement: DRAM2 is on the minus strand). VCF-style: chr1-111118271-G-T. GRCh37 (hg19) VCF-style: chr1-111660893-G-T.
Other names: c.694-4C>A (NM_001349885.2, NM_178454.6, NM_001349882.2 and 1 more transcripts); c.304-4C>A (NM_001349889.2, NM_001349890.2, NM_001349891.2 and 2 more transcripts); c.424-4C>A (NM_001349887.2, NM_001349886.2, NM_001349888.2).
Identifiers: ClinVar variation 3053249 (VCV003053249.2), dbSNP rs200754810, ClinGen allele CA1001740.